The following is an entry in ClinVar:

ClinVar aggregate classification (germline): Uncertain significance (1 of 4 stars; one submission).

Submission:

GeneDx
Classification: Uncertain significance. Last evaluated: 2024-05-06. Review status: criteria provided, single submitter. Criteria: GeneDx Variant Classification Process June 2021. Collection method: clinical testing. Allele origin: germline. Affected: yes.
Comment: Not observed at significant frequency in large population cohorts (gnomAD); Frameshift variant predicted to result in abnormal protein length as the last 48 amino acids are replaced with 60 different amino acids; Has not been previously published as pathogenic or benign to our knowledge

NM_001282116.2(RFX3):c.2102dup (p.Ala702fs)

Gene: RFX3 (regulatory factor X3; minus strand). Cytogenetic location: 9p24.2.
Variant type: Duplication.
Coding change: c.2102dup on transcript NM_001282116.2 (MANE Select); coding-DNA position 2102, one base duplicated (A; older notation c.2102dupA).
Protein change: p.Ala702fs; shifts the reading frame from alanine 702.
Molecular consequence: frameshift variant.
Genome position (GRCh38, 1-based): chr9:3,225,190, T duplicated on the plus strand (A on the coding strand, the reverse complement: RFX3 is on the minus strand). VCF-style (leftmost placement, unchanged base first): chr9-3225189-C-CT. GRCh37 (hg19) VCF-style: chr9-3225189-C-CT.
Other names: c.2165dup, p.Ala723fs (NM_001377999.1); c.2102dup, p.Ala702fs (NM_134428.3); short protein forms A702fs, A723fs.
Identifiers: ClinVar variation 3375968 (VCV003375968.1).
Genomic context (GRCh38, chr9:3,225,189, plus strand): 5'-CAGGAGGCTTGGTTGCACGCCAGTCTCGAGAACAGGCTGCATGCAGCCCACTGGAAATGC[C>CT]TGGCTCAGCTCTGTTTTCTCTCTTTTGGCTTGAGGCTCTGAAGAGTCATCCAGTTCTTCA-3'